The following is an entry in ClinVar:

NM_000046.5(ARSB):c.215T>G (p.Leu72Arg)

Genes: ARSB (arylsulfatase B; minus strand), LOC129994126 (ATAC-STARR-seq lymphoblastoid silent region 16127; plus strand). Cytogenetic location: 5q14.1.
Variant type: single nucleotide variant.
Coding change: c.215T>G on transcript NM_000046.5 (MANE Select); coding-DNA position 215, T replaced by G.
Protein change: p.Leu72Arg; replaces leucine 72 with arginine.
Molecular consequence: missense variant.
Genome position (GRCh38, 1-based): chr5:78,985,034, A>C on the plus strand (T>G on the coding strand, the complement: ARSB is on the minus strand). VCF-style: chr5-78985034-A-C. GRCh37 (hg19) VCF-style: chr5-78280857-A-C.
Other names: c.215T>G, p.Leu72Arg (NM_198709.3); short protein forms L72R.
Identifiers: ClinVar variation 559740 (VCV000559740.23), dbSNP rs397514441, ClinGen allele CA3318334.

ClinVar aggregate classification (germline): Pathogenic/Likely pathogenic. Review status: criteria provided, multiple submitters, no conflicts (2 of 4 stars). 11 submissions from 11 submitters: Pathogenic (9); Likely pathogenic (2). Last evaluated 2026-09-01.

Conditions:
Mucopolysaccharidosis type 6 (MPS6). Also called: MPS VI; ARSB DEFICIENCY; ARYLSULFATASE B DEFICIENCY; N-ACETYLGALACTOSAMINE-4-SULFATASE DEFICIENCY; MPS 6; Maroteaux Lamy syndrome. Identifiers: Orphanet 583, MedGen C0026709, MONDO:0009661, OMIM 253200.
ARSB-related disorder. Also called: ARSB-related condition.

Allele frequency attached by ClinVar (database versions not stated): ExAC below 0.00001; gnomAD exomes 0.00001; TOPMed 0.00002.

Submissions (11):

PreventionGenetics, part of Exact Sciences
Classification: Pathogenic for ARSB-related condition. Last evaluated: 2026-09-01. Review status: criteria provided, single submitter. Criteria: ACMG Guidelines, 2015. Collection method: clinical testing. Allele origin: germline.
Comment: The ARSB c.215T>G variant is predicted to result in the amino acid substitution p.Leu72Arg. This variant has been reported in the homozygous and compound heterozygous state to be causative for mucopolysaccharidosis Type VI/Maroteaux-Lamy syndrome (Petry et al. 2005. PubMed ID: 16435196; Karageorgos et al. 2007. PubMed ID: 17458871; Karageorgos et al. 2007. PubMed ID: 17161971; Tomanin et al. 2018. PubMed ID: 30118150). This variant is reported in 0.0052% of alleles in individuals of European (Finnish) descent in gnomAD. This variant is interpreted as pathogenic.

Rady Children's Institute for Genomic Medicine, Rady Children's Hospital San Diego
Classification: Likely pathogenic for Mucopolysaccharidosis type VI. Last evaluated: 2025-06-17. Review status: criteria provided, single submitter. Criteria: ACMG Guidelines, 2015. Collection method: clinical testing. Allele origin: germline. Affected: yes.
Comment: Loss-of-function is the primary mechanism of disease; however, missense variation in the ARSB gene has been previously reported in affected individuals (HGMD, PMID: 20385007). The c.215T>G (p.Leu72Arg) variant affects a highly conserved amino acid and is predicted by multiple in silico tools to have a deleterious effect on protein function. This is a recurrent variant that has been previously reported as a compound heterozygous and homozygous change in patients with mucopolysaccharidosis type VI (PMID: 16435196, 17458871). The c.215T>G (p.Leu72Arg) variant is present in the latest version of the gnomAD population database at an allele frequency of 0.0003% (5/1541924), and is absent in the homozygous state, thus is presumed to be rare. Based on the available evidence, c.215T>G (p.Leu72Arg) is classified as Likely Pathogenic.

GeneDx
Classification: Pathogenic. Last evaluated: 2025-03-24. Review status: criteria provided, single submitter. Criteria: GeneDx Variant Classification Process June 2021. Collection method: clinical testing. Allele origin: germline. Affected: yes.
Comment: Published functional studies found this variant is associated with significantly reduced arylsulfatase B activity compared to wild type (PMID: 17161971); Not observed at significant frequency in large population cohorts (gnomAD); In silico analysis supports that this missense variant has a deleterious effect on protein structure/function; This variant is associated with the following publications: (PMID: 16435196, 31589614, 25190157, 30118150, 17161971, 17458871)

Natera, Inc.
Classification: Pathogenic for Mucopolysaccharidosis type VI. Last evaluated: 2025-01-20. Review status: criteria provided, single submitter. Criteria: Natera Variant Classification Schema (03/2026). Collection method: clinical testing. Allele origin: germline.
Comment: The c.215T>G variant in ARSB is a missense variant predicted to cause substitution of leucine to arginine at amino acid 72. This variant is rare in the general population with a frequency below the threshold expected for the associated phenotype(s). This variant has been observed in one or more individuals affected with the associated recessive disease, as either homozygous or compound heterozygous with a second variant (PMID: 17458871, 16435196). Given the available evidence, this variant is classified as Pathogenic.

Fulgent Genetics
Classification: Pathogenic for Mucopolysaccharidosis type 6. Last evaluated: 2024-03-06. Review status: criteria provided, single submitter. Criteria: ACMG Guidelines, 2015. Collection method: clinical testing. Allele origin: germline.

Baylor Genetics
Classification: Pathogenic for Mucopolysaccharidosis type 6. Last evaluated: 2024-01-02. Review status: criteria provided, single submitter. Criteria: ACMG Guidelines, 2015. Collection method: clinical testing. Allele origin: unknown.

Labcorp Genetics (formerly Invitae), Labcorp
Classification: Pathogenic for Mucopolysaccharidosis type 6. Last evaluated: 2023-12-08. Review status: criteria provided, single submitter. Criteria: Invitae Variant Classification Sherloc (09022015). Collection method: clinical testing. Allele origin: germline.
Comment: This sequence change replaces leucine, which is neutral and non-polar, with arginine, which is basic and polar, at codon 72 of the ARSB protein (p.Leu72Arg). The frequency data for this variant in the population databases is considered unreliable, as metrics indicate poor data quality at this position in the gnomAD database. This missense change has been observed in individual(s) with mucopolysaccharidosis type VI (PMID: 16435196, 17458871, 25190157; Invitae). In at least one individual the data is consistent with being in trans (on the opposite chromosome) from a pathogenic variant. ClinVar contains an entry for this variant (Variation ID: 559740). Advanced modeling of protein sequence and biophysical properties (such as structural, functional, and spatial information, amino acid conservation, physicochemical variation, residue mobility, and thermodynamic stability) performed at Invitae indicates that this missense variant is expected to disrupt ARSB protein function with a positive predictive value of 95%. For these reasons, this variant has been classified as Pathogenic.

Neuberg Centre For Genomic Medicine, NCGM
Classification: Pathogenic for Mucopolysaccharidosis type 6. Last evaluated: 2023-06-22. Review status: criteria provided, single submitter. Criteria: ACMG Guidelines, 2015. Collection method: clinical testing. Allele origin: germline. Inheritance: Autosomal recessive inheritance. Affected: yes.
Comment: The observed missense variant c.215T>G(p.Leu72Arg) in ARSB gene has been reported previously in mulitple individual(s) with Mucopolysaccharidosis type VI. This variant is present in a mutational hotspot. A different missense cariant (c.215T>C, p.Leu72Pro) has been previously reported as pathogenic at the same position (Tomanin R, et al., 2018; Zheng J, et al., 2014). This variant is reported with the allele frequency 0.001% in the gnomAD Exomes. This variant has been reported to the ClinVar database as Pathogenic/Likely Pathogenic by multiple submitters. The amino acid Leu at position 72 is changed to a Arg changing protein sequence and it might alter its composition and physico-chemical properties. Multiple lines of computational evidence (Polyphen - Possibly damaging, SIFT – Damaging and MutationTaster - Disease causing) predict a damaging effect on protein structure and function for this variant. The residue is conserved by GERP++ and PhyloP across 100 vertebrates. For these reasons, this variant has been classified as Pathogenic.

Revvity Omics, Revvity
Classification: Pathogenic for Mucopolysaccharidosis type 6. Last evaluated: 2022-03-14. Review status: criteria provided, single submitter. Criteria: ACMG Guidelines, 2015. Collection method: clinical testing. Allele origin: germline.

Women's Health and Genetics/Laboratory Corporation of America, LabCorp
Classification: Pathogenic for Mucopolysaccharidosis type 6. Last evaluated: 2020-05-07. Review status: criteria provided, single submitter. Criteria: LabCorp Variant Classification Summary - May 2015. Collection method: clinical testing. Allele origin: germline.
Comment: Variant summary: ARSB c.215T>G (p.Leu72Arg) results in a non-conservative amino acid change located in the Sulfatase, N-terminal domain (IPR000917) of the encoded protein sequence. Five of five in-silico tools predict a damaging effect of the variant on protein function. The variant allele was found at a frequency of 5.5e-06 in 182450 control chromosomes. c.215T>G has been reported in the literature in multiple homozygous and compound heterozygous individuals affected with Mucopolysaccharidosis Type VI (Maroteaux-Lamy Syndrome) with early onset and classical, rapidly progressing disease phenotype in the homozygotes (Petry_2005, Karageorgos_2007). These data indicate that the variant is very likely to be associated with disease. One of these publications also reported very low or undetectable ASB protein levels and undetectable enzymatic activities in skin fibroblasts derived from homozygous patients (Karageorgos_2007). Two clinical diagnostic laboratories have submitted clinical-significance assessments for this variant to ClinVar after 2014 without evidence for independent evaluation, and both of them classified the variant as likely pathogenic. Based on the evidence outlined above, the variant was classified as pathogenic.

Laboratory of Diagnosis and Therapy of Lysosomal Disorders, University of Padova
Classification: Likely pathogenic for Mucopolysaccharidosis type 6. Last evaluated: 2018-01-01. Review status: criteria provided, single submitter. Criteria: ACMG Guidelines, 2015. Collection method: curation. Allele origin: germline. Affected: yes.
Comment: In vitro functional studies supportive of a damaging effect on the gene product (low to no ARSB activity in homozygotes; PS3); Absent from GnomAD (PM2); Reputable source identifies as pathogenic (PP5)

Literature cited by the submitters: PubMed 16435196 (cited by 5 submitters); PubMed 17458871 (cited by 5 submitters); PubMed 20385007 (cited by Rady Children's Institute for Genomic Medicine, Rady Children's Hospital San Diego); PubMed 25190157 (cited by Labcorp Genetics (formerly Invitae), Labcorp and Laboratory of Diagnosis and Therapy of Lysosomal Disorders, University of Padova); PubMed 30118150 (cited by Women's Health and Genetics/Laboratory Corporation of America, LabCorp and Laboratory of Diagnosis and Therapy of Lysosomal Disorders, University of Padova); PubMed 17161971 (cited by Laboratory of Diagnosis and Therapy of Lysosomal Disorders, University of Padova).